The following is an entry in ClinVar:

ClinVar aggregate classification (germline): Likely pathogenic (1 of 4 stars; one submission).

Conditions:
Renal cysts and diabetes syndrome (RCAD). Also called: Familial hypoplastic, glomerulocystic kidney; MATURITY-ONSET DIABETES OF THE YOUNG, TYPE 5. Identifiers: Orphanet 93111, MedGen C0431693, MONDO:0007669, OMIM 137920.

Submission:

Institute of Human Genetics, FAU Erlangen, Friedrich-Alexander-Universität Erlangen-Nürnberg
Classification: Likely pathogenic for Renal cysts and diabetes syndrome. Last evaluated: 2019-07-06. Review status: criteria provided, single submitter. Criteria: ACMG Guidelines, 2015. Collection method: literature only. Allele origin: germline. Affected: yes.
Comment: This variant and it's classification has been reported by Vasileiou et al. 2019; DOI:10.1101/576918. The variants has previously been reported in PMID:27234567 as "c.544+3_544+4insT p.?" with clinical significance Pathogenic. It has been re-classified using InterVar and manual curation as Likely pathogenic based on PM1 PM2 PP1 PP3 PP5.

Literature cited by the submitters: PubMed 27234567; DOI 10.1101/576918.

NM_000458.4(HNF1B):c.544+3_544+4insT

Gene: HNF1B (HNF1 homeobox B; minus strand). Cytogenetic location: 17q12.
Variant type: Insertion.
Coding change: c.544+3_544+4insT on transcript NM_000458.4 (MANE Select); bases 3 to 4 of the intron after coding-DNA position 544, T inserted.
Molecular consequence: intron variant.
Genome position: GRCh38 VCF-style: chr17-37739436-T-TA. GRCh37 (hg19) VCF-style: chr17-36099427-T-TA.
Other names: c.544+3_544+4insT (NM_001304286.2, NM_001165923.4).
Identifiers: ClinVar variation 635669 (VCV000635669.1), dbSNP rs2511827898, ClinGen allele CA913190785.